The following is an entry in ClinVar:

NM_001130823.3(DNMT1):c.377A>G (p.Asn126Ser)

Gene: DNMT1 (DNA methyltransferase 1; minus strand). Cytogenetic location: 19p13.2.
Variant type: single nucleotide variant.
Coding change: c.377A>G on transcript NM_001130823.3 (MANE Select); coding-DNA position 377, A replaced by G.
Protein change: p.Asn126Ser; replaces asparagine 126 with serine.
Molecular consequence: missense variant.
Genome position (GRCh38, 1-based): chr19:10,180,418, T>C on the plus strand (A>G on the coding strand, the complement: DNMT1 is on the minus strand). VCF-style: chr19-10180418-T-C. GRCh37 (hg19) VCF-style: chr19-10291094-T-C.
Other names: c.377A>G, p.Asn126Ser (NM_001318730.2, NM_001379.4); c.14A>G, p.Asn5Ser (NM_001318731.2); short protein forms N5S, N126S.
Identifiers: ClinVar variation 3661467 (VCV003661467.2).
Genomic context (GRCh38, chr19:10,180,418, plus strand): 5'-TCTCCATCGGACTTGCTCCTCCTGGGCGTGCGAGGTTTGGAAAGGGGTTTGGGGGGGCTG[T>C]TGGCATCTGCCATTCCCACTCTACGGGCTTCACTTCTTGCTTGGTTCCCGTTTTCTAGAC-3'
Protein context (NP_001124295.1, residues 116-136): EARRVGMADA[Asn126Ser]SPPKPLSKPR

ClinVar aggregate classification (germline): Uncertain significance (1 of 4 stars; one submission).

Conditions:
Hereditary sensory neuropathy-deafness-dementia syndrome. Also called: Hereditary sensory neuropathy type IE; HSN IE; NEUROPATHY, HEREDITARY SENSORY, WITH HEARING LOSS AND DEMENTIA; Hereditary Sensory and Autonomic Neuropathy Type 1E (HSAN1E). Identifiers: Orphanet 456318, MedGen C3279885, MONDO:0013584, OMIM 614116.

Submission:

Labcorp Genetics (formerly Invitae), Labcorp
Classification: Uncertain significance for Hereditary sensory neuropathy-deafness-dementia syndrome. Last evaluated: 2024-08-05. Review status: criteria provided, single submitter. Criteria: Invitae Variant Classification Sherloc (09022015). Collection method: clinical testing. Allele origin: germline.
Comment: This sequence change replaces asparagine, which is neutral and polar, with serine, which is neutral and polar, at codon 126 of the DNMT1 protein (p.Asn126Ser). This variant is not present in population databases (gnomAD no frequency). This variant has not been reported in the literature in individuals affected with DNMT1-related conditions. An algorithm developed to predict the effect of missense changes on protein structure and function outputs the following: PolyPhen-2: "Benign". The serine amino acid residue is found in multiple mammalian species, which suggests that this missense change does not adversely affect protein function. In summary, the available evidence is currently insufficient to determine the role of this variant in disease. Therefore, it has been classified as a Variant of Uncertain Significance.